The following is an entry in ClinVar:

ClinVar aggregate classification (germline): Benign/Likely benign. Review status: criteria provided, multiple submitters, no conflicts (2 of 4 stars). 2 submissions from 2 submitters: Benign (1); Likely benign (1). Last evaluated 2022-03-01.

Allele frequency attached by ClinVar (database versions not stated): gnomAD exomes 0.00015 and 0.00044; ExAC 0.00062; gnomAD 0.00155 and 0.00162; TOPMed 0.00181; ESP Exome Variant Server 0.00231; 1000 Genomes Project 0.00240; 1000 Genomes Project 30x 0.00265.
gnomAD v4.1: 466 of 1,604,340 alleles (0.029%); highest among the groups gnomAD compares: African/African-American, 0.54%; 1 homozygote.

Submissions (2):

CeGaT Center for Human Genetics Tuebingen
Classification: Likely benign. Last evaluated: 2022-03-01. Review status: criteria provided, single submitter. Criteria: CeGaT Center For Human Genetics Tuebingen Variant Classification Criteria Version 2. Collection method: clinical testing. Allele origin: germline. Affected: yes. Observed: 1 variant allele.
Comment: NOS2: BP4, BP7

Labcorp Genetics (formerly Invitae), Labcorp
Classification: Benign. Last evaluated: 2018-08-16. Review status: criteria provided, single submitter. Criteria: Invitae Variant Classification Sherloc (09022015). Collection method: clinical testing. Allele origin: germline.

NM_000625.4(NOS2):c.3333G>A (p.Glu1111=)

Gene: NOS2 (nitric oxide synthase 2; minus strand). Cytogenetic location: 17q11.2.
Variant type: single nucleotide variant.
Coding change: c.3333G>A on transcript NM_000625.4 (MANE Select); coding-DNA position 3333, G replaced by A.
Protein change: p.Glu1111=; no amino-acid change (glutamic acid 1111 retained).
Molecular consequence: synonymous variant.
Genome position (GRCh38, 1-based): chr17:27,758,902, C>T on the plus strand (G>A on the coding strand, the complement: NOS2 is on the minus strand). VCF-style: chr17-27758902-C-T. GRCh37 (hg19) VCF-style: chr17-26085928-C-T.
Identifiers: ClinVar variation 764639 (VCV000764639.27), dbSNP rs141730458, ClinGen allele CA8454125.